The following is an entry in ClinVar:

NM_001211.6(BUB1B):c.1451C>A (p.Ser484Tyr)

Gene: BUB1B (BUB1 mitotic checkpoint serine/threonine kinase B; plus strand). Cytogenetic location: 15q15.1.
Variant type: single nucleotide variant.
Coding change: c.1451C>A on transcript NM_001211.6 (MANE Select); coding-DNA position 1451, C replaced by A.
Protein change: p.Ser484Tyr; replaces serine 484 with tyrosine.
Molecular consequence: missense variant.
Genome position (GRCh38, 1-based): chr15:40,200,293, C>A. VCF-style: chr15-40200293-C-A. GRCh37 (hg19) VCF-style: chr15-40492494-C-A.
Other names: short protein forms S484Y.
Identifiers: ClinVar variation 5033506 (VCV005033506.1).

ClinVar aggregate classification (germline): Uncertain significance (1 of 4 stars; one submission).

Conditions:
Inborn genetic diseases. Identifiers: MedGen C0950123, MeSH D030342.

Submission:

Ambry Genetics
Classification: Uncertain significance for Inborn genetic diseases. Last evaluated: 2026-06-22. Review status: criteria provided, single submitter. Criteria: Ambry Variant Classification Scheme 2023. Collection method: clinical testing. Allele origin: germline.
Comment: The p.S484Y variant (also known as c.1451C>A), located in coding exon 11 of the BUB1B gene, results from a C to A substitution at nucleotide position 1451. The serine at codon 484 is replaced by tyrosine, an amino acid with dissimilar properties. This amino acid position is conserved. In addition, this alteration is predicted to be tolerated by in silico analysis. Based on the available evidence, the clinical significance of this variant remains unclear.